The following is an entry in ClinVar:

NM_001042681.2(RERE):c.3787C>G (p.His1263Asp)

Gene: RERE (arginine-glutamic acid dipeptide repeats; minus strand). Cytogenetic location: 1p36.23.
Variant type: single nucleotide variant.
Coding change: c.3787C>G on transcript NM_001042681.2 (MANE Select); coding-DNA position 3787, C replaced by G.
Protein change: p.His1263Asp; replaces histidine 1263 with aspartic acid.
Molecular consequence: missense variant.
Genome position (GRCh38, 1-based): chr1:8,358,748, G>C on the plus strand (C>G on the coding strand, the complement: RERE is on the minus strand). VCF-style: chr1-8358748-G-C. GRCh37 (hg19) VCF-style: chr1-8418808-G-C.
Other names: c.2125C>G, p.His709Asp (NM_001042682.2); c.3787C>G, p.His1263Asp (NM_012102.4); short protein forms H1263D, H709D.
Identifiers: ClinVar variation 5008102 (VCV005008102.1).

ClinVar aggregate classification (germline): Uncertain significance (1 of 4 stars; one submission).

Submission:

GeneDx
Classification: Uncertain significance. Last evaluated: 2026-02-26. Review status: criteria provided, single submitter. Criteria: GeneDx Variant Classification Process June 2021. Collection method: clinical testing. Allele origin: germline.
Comment: Not observed at significant frequency in large population cohorts (gnomAD); In silico analysis supports that this missense variant has a deleterious effect on protein structure/function; Has not been previously published as pathogenic or benign to our knowledge